The following is an entry in ClinVar:

NM_001369.3(DNAH5):c.13054C>T (p.Arg4352Trp)

Gene: DNAH5 (dynein axonemal heavy chain 5; minus strand). Cytogenetic location: 5p15.2.
Variant type: single nucleotide variant.
Coding change: c.13054C>T on transcript NM_001369.3 (MANE Select); coding-DNA position 13054, C replaced by T.
Protein change: p.Arg4352Trp; replaces arginine 4352 with tryptophan.
Molecular consequence: missense variant.
Genome position (GRCh38, 1-based): chr5:13,714,476, G>A on the plus strand (C>T on the coding strand, the complement: DNAH5 is on the minus strand). VCF-style: chr5-13714476-G-A. GRCh37 (hg19) VCF-style: chr5-13714585-G-A.
Other names: short protein forms R4352W.
Identifiers: ClinVar variation 977547 (VCV000977547.5), dbSNP rs530188302, ClinGen allele CA3201466.
Genomic context (GRCh38, chr5:13,714,476, plus strand): 5'-CATAGTCTGGGGGCAGCTTCTCCAGCATATCATCAGCCAGCCGGGCCACCACCGCCTCCC[G>A]GGTCTCATCCCCTCCACCAGAGGTGTCCTTGGGTTGGATGCCTAGGATGGTGTCCAGCAC-3'
Protein context (NP_001360.1, residues 4342-4362): KDTSGGGDET[Arg4352Trp]EAVVARLADD

ClinVar aggregate classification (germline): Uncertain significance. Review status: criteria provided, multiple submitters, no conflicts (2 of 4 stars). 3 submissions from 3 submitters: Uncertain significance (3). Last evaluated 2026-01-16.

Conditions:
DNAH5-related disorder. Also called: DNAH5-related condition.
Primary ciliary dyskinesia. Also called: Ciliary dyskinesia. Identifiers: Orphanet 244, MedGen C0008780, MONDO:0016575, HP:0012265.

Allele frequency attached by ClinVar (database versions not stated): ExAC 0.00001; gnomAD 0.00001 and 0.00002; gnomAD exomes 0.00001 and 0.00002; TOPMed 0.00003; 1000 Genomes Project 0.00020.
gnomAD v4.1: 32 of 1,613,974 alleles (0.002%); highest among the groups gnomAD compares: Non-Finnish European, 0.0025%; no homozygotes.

Submissions (3):

PreventionGenetics, part of Exact Sciences
Classification: Uncertain significance for DNAH5-related condition. Last evaluated: 2026-01-16. Review status: criteria provided, single submitter. Criteria: ACMG Guidelines, 2015. Collection method: clinical testing. Allele origin: germline.
Comment: The DNAH5 c.13054C>T variant is predicted to result in the amino acid substitution p.Arg4352Trp. This variant has been reported as de novo in an individual with autism (Table S4, Yuen et al. 2016. PubMed ID: 27525107; Zhou et al. 2022. PubMed ID: 35982159). This variant is reported in 0.0018% of alleles in individuals of European (Non-Finnish) descent in gnomAD. At this time, the clinical significance of this variant is uncertain due to the absence of conclusive functional and genetic evidence.

Labcorp Genetics (formerly Invitae), Labcorp
Classification: Uncertain significance for Primary ciliary dyskinesia. Last evaluated: 2021-09-08. Review status: criteria provided, single submitter. Criteria: Invitae Variant Classification Sherloc (09022015). Collection method: clinical testing. Allele origin: germline.
Comment: This sequence change replaces arginine with tryptophan at codon 4352 of the DNAH5 protein (p.Arg4352Trp). The arginine residue is highly conserved and there is a moderate physicochemical difference between arginine and tryptophan. This variant is present in population databases (rs530188302, ExAC 0.002%). This variant has not been reported in the literature in individuals affected with DNAH5-related conditions. Algorithms developed to predict the effect of missense changes on protein structure and function are either unavailable or do not agree on the potential impact of this missense change (SIFT: "Deleterious"; PolyPhen-2: "Possibly Damaging"; Align-GVGD: "Class C0"). In summary, the available evidence is currently insufficient to determine the role of this variant in disease. Therefore, it has been classified as a Variant of Uncertain Significance.

UNC Molecular Genetics  Laboratory, University of North Carolina at Chapel Hill
Classification: Uncertain significance for Primary ciliary dyskinesia. Last evaluated: 2019-02-03. Review status: criteria provided, single submitter. Criteria: ACMG Guidelines, 2015. Collection method: clinical testing. Allele origin: germline. Observed: 1 heterozygote.